The following is an entry in ClinVar:

ClinVar aggregate classification (germline): Uncertain significance. Review status: criteria provided, multiple submitters, no conflicts (2 of 4 stars). 2 submissions from 2 submitters: Uncertain significance (2). Last evaluated 2023-07-18.

Conditions:
Hereditary cancer-predisposing syndrome. Also called: Hereditary neoplastic syndrome; Tumor predisposition; Neoplastic Syndromes, Hereditary; Hereditary Cancer Syndrome. Identifiers: Orphanet 140162, MedGen C0027672, MeSH D009386, MONDO:0015356.

gnomAD v4.1: 3 of 1,608,058 alleles (0.00019%); highest among the groups gnomAD compares: Non-Finnish European, 0.00017%; no homozygotes.

Submissions (2):

Ambry Genetics
Classification: Uncertain significance for Hereditary cancer-predisposing syndrome. Last evaluated: 2023-07-18. Review status: criteria provided, single submitter. Criteria: Ambry Variant Classification Scheme 2023. Collection method: clinical testing. Allele origin: germline.
Comment: The p.F57L variant (also known as c.171C>A), located in coding exon 2 of the RAD50 gene, results from a C to A substitution at nucleotide position 171. The phenylalanine at codon 57 is replaced by leucine, an amino acid with highly similar properties. This amino acid position is well conserved in available vertebrate species. In addition, this alteration is predicted to be tolerated by in silico analysis. Since supporting evidence is limited at this time, the clinical significance of this alteration remains unclear.

Labcorp Genetics (formerly Invitae), Labcorp
Classification: Uncertain significance for Hereditary cancer-predisposing syndrome. Last evaluated: 2018-02-14. Review status: criteria provided, single submitter. Criteria: Invitae Variant Classification Sherloc (09022015). Collection method: clinical testing. Allele origin: germline.
Comment: In summary, the available evidence is currently insufficient to determine the role of this variant in disease. Therefore, it has been classified as a Variant of Uncertain Significance. Algorithms developed to predict the effect of missense changes on protein structure and function (SIFT, PolyPhen-2, Align-GVGD) all suggest that this variant is likely to be tolerated, but these predictions have not been confirmed by published functional studies and their clinical significance is uncertain. This variant has not been reported in the literature in individuals with RAD50-related disease. This variant is not present in population databases (ExAC no frequency). This sequence change replaces phenylalanine with leucine at codon 57 of the RAD50 protein (p.Phe57Leu). The phenylalanine residue is moderately conserved and there is a small physicochemical difference between phenylalanine and leucine.

NM_005732.4(RAD50):c.171C>A (p.Phe57Leu)

Gene: RAD50 (RAD50 double strand break repair protein; plus strand). Cytogenetic location: 5q31.1.
Variant type: single nucleotide variant.
Coding change: c.171C>A on transcript NM_005732.4 (MANE Select); coding-DNA position 171, C replaced by A.
Protein change: p.Phe57Leu; replaces phenylalanine 57 with leucine.
Molecular consequence: missense variant.
Genome position (GRCh38, 1-based): chr5:132,559,325, C>A. VCF-style: chr5-132559325-C-A. GRCh37 (hg19) VCF-style: chr5-131895017-C-A.
Other names: short protein forms F57L.
Identifiers: ClinVar variation 572163 (VCV000572163.10), dbSNP rs763762300, ClinGen allele CA360953456.